The following is an entry in ClinVar:

ClinVar aggregate classification (germline): Likely pathogenic (1 of 4 stars; one submission).

Conditions:
Hereditary cancer-predisposing syndrome. Also called: Tumor predisposition; Hereditary Cancer Syndrome; Hereditary neoplastic syndrome; Neoplastic Syndromes, Hereditary. Identifiers: Orphanet 140162, MedGen C0027672, MeSH D009386, MONDO:0015356.

Submission:

Ambry Genetics
Classification: Likely pathogenic for Hereditary cancer-predisposing syndrome. Last evaluated: 2023-01-03. Review status: criteria provided, single submitter. Criteria: Ambry Variant Classification Scheme 2023. Collection method: clinical testing. Allele origin: germline.
Comment: The c.8146_8148delGTT variant (also known as p.V2716del) is located in coding exon 54 of the ATM gene. This variant results from an in-frame GTT deletion at nucleotide positions 8146 to 8148. This results in the in-frame deletion of a valine at codon 2716. This variant is considered to be rare based on population cohorts in the Genome Aggregation Database (gnomAD). This amino acid position is highly conserved in available vertebrate species, and the impacted region is critical for protein function (Ambry internal data). In addition, this alteration is predicted to be deleterious by in silico analysis (Choi Y et al. PLoS ONE. 2012; 7(10):e46688). Based on the majority of available evidence to date, this variant is likely to be pathogenic.

NM_000051.4(ATM):c.8146_8148del (p.Val2716del)

Genes: ATM (ATM serine/threonine kinase; plus strand), C11orf65 (chromosome 11 open reading frame 65; minus strand). Cytogenetic location: 11q22.3.
Variant type: Deletion.
Coding change: c.8146_8148del on transcript NM_000051.4 (MANE Select); coding-DNA positions 8146 to 8148, 3 bases deleted (GTT; older notation c.8146_8148delGTT).
Protein change: p.Val2716del; deletes valine 2716.
Molecular consequence: inframe deletion. On other transcripts: intron variant (2).
Genome position (GRCh38, 1-based): chr11:108,335,104-108,335,106, GTT deleted; deleting any 3 consecutive bases within chr11:108,335,102-108,335,106 gives the same sequence; the c. name uses the placement nearest the transcript's 3' end. VCF-style (leftmost placement, unchanged base first): chr11-108335101-CTTG-C. GRCh37 (hg19) VCF-style: chr11-108205828-CTTG-C.
Other names: c.8146_8148del, p.Val2716del (NM_001351834.2); c.641-26033_641-26031del (NM_001330368.2); c.*38+116_*38+118del (NM_001351110.2); short protein forms V2716del.
Identifiers: ClinVar variation 3223196 (VCV003223196.1), dbSNP rs2547331780, ClinGen allele CA2825001960.